The following is an entry in ClinVar:

NM_206933.4(USH2A):c.1213A>G (p.Asn405Asp)

Gene: USH2A (usherin; minus strand). Cytogenetic location: 1q41.
Variant type: single nucleotide variant.
Coding change: c.1213A>G on transcript NM_206933.4 (MANE Select); coding-DNA position 1213, A replaced by G.
Protein change: p.Asn405Asp; replaces asparagine 405 with aspartic acid.
Molecular consequence: missense variant.
Genome position (GRCh38, 1-based): chr1:216,324,283, T>C on the plus strand (A>G on the coding strand, the complement: USH2A is on the minus strand). VCF-style: chr1-216324283-T-C. GRCh37 (hg19) VCF-style: chr1-216497625-T-C.
Other names: c.1213A>G, p.Asn405Asp (NM_007123.6); short protein forms N405D.
Identifiers: ClinVar variation 2532523 (VCV002532523.4), dbSNP rs375252709, ClinGen allele CA1396570.

ClinVar aggregate classification (germline): Conflicting classifications of pathogenicity. Review status: criteria provided, conflicting classifications (1 of 4 stars). 3 submissions from 3 submitters: Uncertain significance (2); Likely benign (1). Last evaluated 2024-11-26.

Conditions:
Inborn genetic diseases. Identifiers: MedGen C0950123, MeSH D030342.

Allele frequency attached by ClinVar (database versions not stated): gnomAD 0.00002; TOPMed 0.00002; ExAC 0.00004; ESP Exome Variant Server 0.00008.
gnomAD v4.1: 46 of 1,613,292 alleles (0.0029%); highest among the groups gnomAD compares: South Asian, 0.032%; no homozygotes.

Submissions (3):

Blueprint Genetics
Classification: Uncertain significance. Last evaluated: 2024-11-26. Review status: criteria provided, single submitter. Criteria: ACMG Guidelines, 2015. Collection method: clinical testing. Allele origin: germline.

Labcorp Genetics (formerly Invitae), Labcorp
Classification: Uncertain significance. Last evaluated: 2024-06-06. Review status: criteria provided, single submitter. Criteria: Invitae Variant Classification Sherloc (09022015). Collection method: clinical testing. Allele origin: germline.
Comment: This sequence change replaces asparagine, which is neutral and polar, with aspartic acid, which is acidic and polar, at codon 405 of the USH2A protein (p.Asn405Asp). This variant is present in population databases (rs375252709, gnomAD 0.06%). This variant has not been reported in the literature in individuals affected with USH2A-related conditions. ClinVar contains an entry for this variant (Variation ID: 2532523). Advanced modeling of protein sequence and biophysical properties (such as structural, functional, and spatial information, amino acid conservation, physicochemical variation, residue mobility, and thermodynamic stability) performed at Invitae indicates that this missense variant is not expected to disrupt USH2A protein function with a negative predictive value of 95%. In summary, the available evidence is currently insufficient to determine the role of this variant in disease. Therefore, it has been classified as a Variant of Uncertain Significance.

Ambry Genetics
Classification: Likely benign for Inborn genetic diseases. Last evaluated: 2023-04-04. Review status: criteria provided, single submitter. Criteria: Ambry Variant Classification Scheme 2023. Collection method: clinical testing. Allele origin: germline.